The following is an entry in ClinVar:

ClinVar aggregate classification (germline): Likely benign. Review status: criteria provided, multiple submitters, no conflicts (2 of 4 stars). 3 submissions from 3 submitters: Likely benign (2). 1 of the submissions does not count toward it. Last evaluated 2025-12-14.

Conditions:
USH2A-related disorder. Also called: USH2A-related disorders; USH2A-related condition. Identifiers: MedGen CN239332.

Allele frequency attached by ClinVar (database versions not stated): ExAC 0.00001; gnomAD 0.00001; gnomAD exomes 0.00001 and 0.00004; TOPMed 0.00002; 1000 Genomes Project 30x 0.00016; 1000 Genomes Project 0.00020.
gnomAD v4.1: 55 of 1,613,670 alleles (0.0034%); highest among the groups gnomAD compares: Non-Finnish European, 0.0044%; no homozygotes.

Submissions (3):

Labcorp Genetics (formerly Invitae), Labcorp
Classification: Likely benign. Last evaluated: 2025-12-14. Review status: criteria provided, single submitter. Criteria: Invitae Variant Classification Sherloc (09022015). Collection method: clinical testing. Allele origin: germline.

Blueprint Genetics
Classification: Likely benign. Last evaluated: 2023-08-22. Review status: criteria provided, single submitter. Criteria: ACMG Guidelines, 2015. Collection method: clinical testing. Allele origin: germline.

PreventionGenetics, part of Exact Sciences
Classification: Likely benign for USH2A-related condition. Last evaluated: 2021-02-11. Review status: no assertion criteria provided. Collection method: clinical testing. Allele origin: germline. Not counted in ClinVar's aggregate classification.
Comment: This variant is classified as likely benign based on ACMG/AMP sequence variant interpretation guidelines (Richards et al. 2015 PMID: 25741868, with internal and published modifications).

NM_206933.4(USH2A):c.9141T>C (p.Asn3047=)

Gene: USH2A (usherin; minus strand). Cytogenetic location: 1q41.
Variant type: single nucleotide variant.
Coding change: c.9141T>C on transcript NM_206933.4 (MANE Select); coding-DNA position 9141, T replaced by C.
Protein change: p.Asn3047=; no amino-acid change (asparagine 3047 retained).
Molecular consequence: synonymous variant.
Genome position (GRCh38, 1-based): chr1:215,844,411, A>G on the plus strand (T>C on the coding strand, the complement: USH2A is on the minus strand). VCF-style: chr1-215844411-A-G. GRCh37 (hg19) VCF-style: chr1-216017753-A-G.
Other names: c.9141T>C (NM_206933.2).
Identifiers: ClinVar variation 1157224 (VCV001157224.12), dbSNP rs569962519, ClinGen allele CA1394395.